The following is an entry in ClinVar:

NM_001267550.2(TTN):c.39704C>A (p.Pro13235Gln)

Gene: TTN (titin; minus strand). Cytogenetic location: 2q31.2.
Variant type: single nucleotide variant.
Coding change: c.39704C>A on transcript NM_001267550.2 (MANE Select); coding-DNA position 39704, C replaced by A.
Protein change: p.Pro13235Gln; replaces proline 13235 with glutamine.
Molecular consequence: missense variant. On other transcripts: intron variant (3).
Genome position (GRCh38, 1-based): chr2:178,650,756, G>T on the plus strand (C>A on the coding strand, the complement: TTN is on the minus strand). VCF-style: chr2-178650756-G-T. GRCh37 (hg19) VCF-style: chr2-179515483-G-T.
Other names: p.Pro10801Gln; c.35183C>A, p.Pro11728Gln (NM_001256850.1); c.32402C>A, p.Pro10801Gln (NM_133378.4); c.13283-8439C>A (NM_003319.4); c.13859-8439C>A (NM_133437.4); c.13658-8439C>A (NM_133432.3); short protein forms P11728Q, P10801Q, P13235Q.
Identifiers: ClinVar variation 4540742 (VCV004540742.1).

ClinVar aggregate classification (germline): Uncertain significance (1 of 4 stars; one submission).

gnomAD v4.1: 23 of 1,602,478 alleles (0.0014%); highest among the groups gnomAD compares: South Asian, 0.0056%; no homozygotes.

Submission:

Mayo Clinic Laboratories, Mayo Clinic
Classification: Uncertain significance. Last evaluated: 2025-06-05. Review status: criteria provided, single submitter. Criteria: ACMG Guidelines, 2015. Collection method: clinical testing. Allele origin: germline. Observed: 1 variant allele.
Comment: BP4